The following is an entry in ClinVar:

NM_001211.6(BUB1B):c.1926A>C (p.Glu642Asp)

Gene: BUB1B (BUB1 mitotic checkpoint serine/threonine kinase B; plus strand). Cytogenetic location: 15q15.1.
Variant type: single nucleotide variant.
Coding change: c.1926A>C on transcript NM_001211.6 (MANE Select); coding-DNA position 1926, A replaced by C.
Protein change: p.Glu642Asp; replaces glutamic acid 642 with aspartic acid.
Molecular consequence: missense variant.
Genome position (GRCh38, 1-based): chr15:40,206,375, A>C. VCF-style: chr15-40206375-A-C. GRCh37 (hg19) VCF-style: chr15-40498576-A-C.
Other names: short protein forms E642D.
Identifiers: ClinVar variation 2450808 (VCV002450808.2), dbSNP rs2140904095, ClinGen allele CA391692694.
Genomic context (GRCh38, chr15:40,206,375, plus strand): 5'-TCATGAGATAATGTCCTTGAAGGATCTCCCTTCTGATCCTGAGAGACTGTTACCGGAAGA[A>C]GATCTAGATGTAAAGACCTCTGAGGACCAGCAGACAGCTTGTGGCACTATCTACAGTCAG-3'
Protein context (NP_001202.5, residues 632-652): PSDPERLLPE[Glu642Asp]DLDVKTSEDQ

ClinVar aggregate classification (germline): Uncertain significance (1 of 4 stars; one submission).

Conditions:
Inborn genetic diseases. Identifiers: MedGen C0950123, MeSH D030342.

Submission:

Ambry Genetics
Classification: Uncertain significance for Inborn genetic diseases. Last evaluated: 2022-11-19. Review status: criteria provided, single submitter. Criteria: Ambry Variant Classification Scheme 2023. Collection method: clinical testing. Allele origin: germline.
Comment: The p.E642D variant (also known as c.1926A>C), located in coding exon 15 of the BUB1B gene, results from an A to C substitution at nucleotide position 1926. The glutamic acid at codon 642 is replaced by aspartic acid, an amino acid with highly similar properties. This amino acid position is conserved. In addition, this alteration is predicted to be tolerated by in silico analysis. Since supporting evidence is limited at this time, the clinical significance of this alteration remains unclear.